The following is an entry in ClinVar:

NM_000443.4(ABCB4):c.3227G>A (p.Ser1076Asn)

Gene: ABCB4 (ATP binding cassette subfamily B member 4; minus strand). Cytogenetic location: 7q21.12.
Variant type: single nucleotide variant.
Coding change: c.3227G>A on transcript NM_000443.4 (MANE Select); coding-DNA position 3227, G replaced by A.
Protein change: p.Ser1076Asn; replaces serine 1076 with asparagine.
Molecular consequence: missense variant.
Genome position (GRCh38, 1-based): chr7:87,408,089, C>T on the plus strand (G>A on the coding strand, the complement: ABCB4 is on the minus strand). VCF-style: chr7-87408089-C-T. GRCh37 (hg19) VCF-style: chr7-87037405-C-T.
Other names: c.3227G>A, p.Ser1076Asn (NM_018849.3); c.3086G>A, p.Ser1029Asn (NM_018850.3); short protein forms S1076N, S1029N.
Identifiers: ClinVar variation 499833 (VCV000499833.10), dbSNP rs1554398434, ClinGen allele CA368059062.

ClinVar aggregate classification (germline): Conflicting classifications of pathogenicity. Review status: criteria provided, conflicting classifications (1 of 4 stars). 3 submissions from 3 submitters: Likely pathogenic (1); Uncertain significance (2). Last evaluated 2026-06-01.

Conditions:
Familial intrahepatic cholestasis. Identifiers: Orphanet 284385, MedGen CN296401, MONDO:0017290.

Submissions (3):

CeGaT Center for Human Genetics Tuebingen
Classification: Likely pathogenic. Last evaluated: 2026-06-01. Review status: criteria provided, single submitter. Criteria: CeGaT Center For Human Genetics Tuebingen Variant Classification Criteria Version 2. Collection method: clinical testing. Allele origin: germline. Affected: yes. Observed: 2 variant alleles.
Comment: ABCB4: PM1, PM2, PM5, PS4:Moderate

Genomenon, Inc
Classification: Uncertain significance for Familial intrahepatic cholestasis. Last evaluated: 2026-04-14. Review status: criteria provided, single submitter. Criteria: Genomenon Sequence Variant Interpretation Standards - Updated. Collection method: curation. Allele origin: germline. Affected: yes.
Comment: ABCB4 p.Ser1076Asn (c.3227G>A) is a missense variant that changes the amino acid at residue 1076 from Serine to Asparagine. This variant has been observed in at least one proband with an ABCB4-related disorder (PMID:33256620;21638239). It is absent or not present at a significant frequency in gnomAD. In silico models predict that this variant is possibly or probably damaging. In conclusion, we classify ABCB4 p.Ser1076Asn (c.3227G>A) as a variant of uncertain significance.

Eurofins Ntd Llc (ga)
Classification: Uncertain significance. Last evaluated: 2018-05-08. Review status: criteria provided, single submitter. Criteria: EGL ClinVar v180209 classification definitions. Collection method: clinical testing. Allele origin: germline. Observed: 2 variant alleles, 2 heterozygotes.

Literature cited by the submitters: PubMed 33256620 (cited by Genomenon, Inc); PubMed 21638239 (cited by Genomenon, Inc).